The following is an entry in ClinVar:

NM_000587.4(C7):c.1124C>T (p.Pro375Leu)

Gene: C7 (complement C7; plus strand). Cytogenetic location: 5p13.1.
Variant type: single nucleotide variant.
Coding change: c.1124C>T on transcript NM_000587.4 (MANE Select); coding-DNA position 1124, C replaced by T.
Protein change: p.Pro375Leu; replaces proline 375 with leucine.
Molecular consequence: missense variant.
Genome position (GRCh38, 1-based): chr5:40,955,417, C>T. VCF-style: chr5-40955417-C-T. GRCh37 (hg19) VCF-style: chr5-40955519-C-T.
Other names: c.1124C>T (NM_000587.2); short protein forms P375L.
Identifiers: ClinVar variation 1430499 (VCV001430499.7), dbSNP rs369663567, ClinGen allele CA3249869.

ClinVar aggregate classification (germline): Uncertain significance. Review status: criteria provided, multiple submitters, no conflicts (2 of 4 stars). 2 submissions from 2 submitters: Uncertain significance (2). Last evaluated 2023-08-28.

Conditions:
Inborn genetic diseases. Identifiers: MedGen C0950123, MeSH D030342.

Allele frequency attached by ClinVar (database versions not stated): ExAC 0.00002; TOPMed 0.00002; gnomAD 0.00003 and 0.00004; ESP Exome Variant Server 0.00008.
gnomAD v4.1: 52 of 1,610,860 alleles (0.0032%); highest among the groups gnomAD compares: Non-Finnish European, 0.0041%; no homozygotes.

Submissions (2):

Ambry Genetics
Classification: Uncertain significance for Inborn genetic diseases. Last evaluated: 2023-08-28. Review status: criteria provided, single submitter. Criteria: Ambry Variant Classification Scheme 2023. Collection method: clinical testing. Allele origin: germline.

Labcorp Genetics (formerly Invitae), Labcorp
Classification: Uncertain significance. Last evaluated: 2022-09-19. Review status: criteria provided, single submitter. Criteria: Invitae Variant Classification Sherloc (09022015). Collection method: clinical testing. Allele origin: germline.
Comment: In summary, the available evidence is currently insufficient to determine the role of this variant in disease. Therefore, it has been classified as a Variant of Uncertain Significance. Advanced modeling of protein sequence and biophysical properties (such as structural, functional, and spatial information, amino acid conservation, physicochemical variation, residue mobility, and thermodynamic stability) performed at Invitae indicates that this missense variant is not expected to disrupt C7 protein function. ClinVar contains an entry for this variant (Variation ID: 1430499). This variant has not been reported in the literature in individuals affected with C7-related conditions. This variant is present in population databases (rs369663567, gnomAD 0.004%). This sequence change replaces proline, which is neutral and non-polar, with leucine, which is neutral and non-polar, at codon 375 of the C7 protein (p.Pro375Leu).